The following is an entry in ClinVar:

NM_000062.3(SERPING1):c.667C>T (p.Gln223Ter)

Gene: SERPING1 (serpin family G member 1; plus strand). Cytogenetic location: 11q12.1.
Variant type: single nucleotide variant.
Coding change: c.667C>T on transcript NM_000062.3 (MANE Select); coding-DNA position 667, C replaced by T.
Protein change: p.Gln223Ter; replaces glutamine 223 with a stop codon.
Molecular consequence: nonsense.
Genome position (GRCh38, 1-based): chr11:57,602,151, C>T. VCF-style: chr11-57602151-C-T. GRCh37 (hg19) VCF-style: chr11-57369624-C-T.
Other names: c.667C>T, p.Gln223Ter (NM_001032295.2); short protein forms Q223*.
Identifiers: ClinVar variation 3336797 (VCV003336797.4).

ClinVar aggregate classification (germline): Pathogenic. Review status: criteria provided, multiple submitters, no conflicts (2 of 4 stars). 2 submissions from 2 submitters: Pathogenic (2). Last evaluated 2024-10-17.

Conditions:
Hereditary angioedema type 1 (HAE1). Identifiers: Orphanet 100050, Orphanet 100051, Orphanet 91378, MedGen C2717906, MONDO:0015053, OMIM 106100.

Submissions (2):

Labcorp Genetics (formerly Invitae), Labcorp
Classification: Pathogenic. Last evaluated: 2024-10-17. Review status: criteria provided, single submitter. Criteria: Invitae Variant Classification Sherloc (09022015). Collection method: clinical testing. Allele origin: germline.
Comment: This sequence change creates a premature translational stop signal (p.Gln223*) in the SERPING1 gene. It is expected to result in an absent or disrupted protein product. Loss-of-function variants in SERPING1 are known to be pathogenic (PMID: 11112899, 24456027). This variant is not present in population databases (gnomAD no frequency). This premature translational stop signal has been observed in individual(s) with angioedema (PMID: 14635117). For these reasons, this variant has been classified as Pathogenic.

DNA-diagnostics Laboratory, Research Centre For Medical Genetics
Classification: Pathogenic for Hereditary angioedema type 1. Last evaluated: 2024-08-10. Review status: criteria provided, single submitter. Criteria: ACMG Guidelines, 2015. Collection method: research. Allele origin: germline. Inheritance: Autosomal dominant inheritance. Affected: yes. Observed: 1 heterozygote.
Comment: In summary, the c.666_667del variant in SERPING1 meets ACMG/ClinGen SVI guidance criteria to be classified as pathogenic: PVS1, PS4_Mod, PP4_Mod, PM2_Sup

Literature cited by the submitters: PubMed 11112899 (cited by Labcorp Genetics (formerly Invitae), Labcorp); PubMed 24456027 (cited by Labcorp Genetics (formerly Invitae), Labcorp); PubMed 14635117 (cited by Labcorp Genetics (formerly Invitae), Labcorp); DOI 10.1002/humu.9202 (cited by DNA-diagnostics Laboratory, Research Centre For Medical Genetics); DOI 10.1002/humu.23917 (cited by DNA-diagnostics Laboratory, Research Centre For Medical Genetics).